The following is an entry in ClinVar:

NM_024334.3(TMEM43):c.883-340C>T

Gene: TMEM43 (transmembrane protein 43; plus strand). Cytogenetic location: 3p25.1.
Variant type: single nucleotide variant.
Coding change: c.883-340C>T on transcript NM_024334.3 (MANE Select); 340 bases into the intron before coding-DNA position 883, C replaced by T.
Molecular consequence: intron variant.
Genome position (GRCh38, 1-based): chr3:14,138,840, C>T. VCF-style: chr3-14138840-C-T. GRCh37 (hg19) VCF-style: chr3-14180340-C-T.
Identifiers: ClinVar variation 669601 (VCV000669601.1), dbSNP rs114149034, ClinGen allele CA69733764.

ClinVar aggregate classification (germline): Likely benign (1 of 4 stars; one submission).

Allele frequency attached by ClinVar (database versions not stated): 1000 Genomes Project 30x 0.00874; 1000 Genomes Project 0.00899; gnomAD 0.00904 and 0.00987; TOPMed 0.01045.
gnomAD v4.1: 1,367 of 152,324 alleles (0.9%); highest among the groups gnomAD compares: African/African-American, 3.1%; 20 homozygotes.

Submission:

GeneDx
Classification: Likely benign. Last evaluated: 2018-06-14. Review status: criteria provided, single submitter. Criteria: GeneDx Variant Classification (06012015). Collection method: clinical testing. Allele origin: germline. Affected: yes.
Comment: This variant is considered likely benign or benign based on one or more of the following criteria: it is a conservative change, it occurs at a poorly conserved position in the protein, it is predicted to be benign by multiple in silico algorithms, and/or has population frequency not consistent with disease.